The following is an entry in ClinVar:

NM_182961.4(SYNE1):c.15151_15152delinsAT (p.Glu5051Met)

Gene: SYNE1 (spectrin repeat containing nuclear envelope protein 1; minus strand). Cytogenetic location: 6q25.2.
Variant type: Indel.
Coding change: c.15151_15152delinsAT on transcript NM_182961.4 (MANE Select); coding-DNA positions 15151 to 15152, GA replaced by AT.
Protein change: p.Glu5051Met; replaces glutamic acid 5051 with methionine.
Molecular consequence: missense variant.
Genome position (GRCh38, 1-based): chr6:152,326,437-152,326,438, TC replaced by AT on the plus strand (GA replaced by AT on the coding strand, the reverse complement: SYNE1 is on the minus strand). VCF-style: chr6-152326437-TC-AT. GRCh37 (hg19) VCF-style: chr6-152647572-TC-AT.
Other names: c.14938_14939delinsAT, p.Glu4980Met (NM_033071.5); short protein forms E4980M, E5051M.
Identifiers: ClinVar variation 938774 (VCV000938774.8), dbSNP rs2096068834, ClinGen allele CA1139659873.
Genomic context (GRCh38, chr6:152,326,437, plus strand): 5'-AGGTCTTCTTTGCCGGTTGGCTTGATGAGTGGGTCCAGGGTGGCTACCAGGCTGTGGAGC[TC>AT]CTCCAGGTTACTATGGAACTGATCCTCTGTACTGAAAAATTCCATGTGGCTTTTGAGATT-3'
Protein context (NP_892006.3, residues 5041-5061): TEDQFHSNLE[Glu5051Met]LHSLVATLDP

ClinVar aggregate classification (germline): Uncertain significance (1 of 4 stars; one submission).

Conditions:
Emery-Dreifuss muscular dystrophy 4, autosomal dominant (EDMD4). Also called: EMERY-DREIFUSS MUSCULAR DYSTROPHY 4 WITH VARIABLE FEATURES. Identifiers: Orphanet 261, MedGen C2751807, MONDO:0013071, OMIM 612998.
Autosomal recessive ataxia, Beauce type. Also called: Spinocerebellar ataxia, autosomal recessive 8; ATAXIA, RECESSIVE, OF BEAUCE; SYNE1-Related Autosomal Recessive Cerebellar Ataxia; SYNE1 Deficiency. Identifiers: Orphanet 88644, MedGen C1853116, MONDO:0012549, OMIM 610743.

Submission:

Labcorp Genetics (formerly Invitae), Labcorp
Classification: Uncertain significance for Emery-Dreifuss muscular dystrophy 4, autosomal dominant; Autosomal recessive ataxia, Beauce type. Last evaluated: 2019-08-24. Review status: criteria provided, single submitter. Criteria: Invitae Variant Classification Sherloc (09022015). Collection method: clinical testing. Allele origin: germline.
Comment: In summary, the available evidence is currently insufficient to determine the role of this variant in disease. Therefore, it has been classified as a Variant of Uncertain Significance. Algorithms developed to predict the effect of missense changes on protein structure and function are either unavailable or do not agree on the potential impact of this missense change (SIFT: "Deleterious"; PolyPhen-2: "Probably Damaging"; Align-GVGD: "Class C0"). This variant has not been reported in the literature in individuals with SYNE1-related conditions. This variant is not present in population databases (ExAC no frequency). This sequence change replaces glutamic acid with methionine at codon 4980 of the SYNE1 protein (p.Glu4980Met). The glutamic residue is moderately conserved and there is a moderate physicochemical difference between glutamic acid and methionine.